The following is an entry in ClinVar:

ClinVar aggregate classification (germline): Uncertain significance (1 of 4 stars; one submission).

Allele frequency attached by ClinVar (database versions not stated): gnomAD exomes below 0.00001 and 0.00002; gnomAD 0.00001; TOPMed 0.00002; ExAC 0.00003.
gnomAD v4.1: 7 of 1,613,898 alleles (0.00043%); highest among the groups gnomAD compares: East Asian, 0.0067%; no homozygotes.

Submission:

Labcorp Genetics (formerly Invitae), Labcorp
Classification: Uncertain significance. Last evaluated: 2025-04-16. Review status: criteria provided, single submitter. Criteria: Invitae Variant Classification Sherloc (09022015). Collection method: clinical testing. Allele origin: germline.
Comment: This sequence change replaces isoleucine, which is neutral and non-polar, with threonine, which is neutral and polar, at codon 242 of the CA4 protein (p.Ile242Thr). This variant is present in population databases (rs770093120, gnomAD 0.03%). This variant has not been reported in the literature in individuals affected with CA4-related conditions. ClinVar contains an entry for this variant (Variation ID: 1503479). Invitae Evidence Modeling of protein sequence and biophysical properties (such as structural, functional, and spatial information, amino acid conservation, physicochemical variation, residue mobility, and thermodynamic stability) indicates that this missense variant is expected to disrupt CA4 protein function with a positive predictive value of 80%. In summary, the available evidence is currently insufficient to determine the role of this variant in disease. Therefore, it has been classified as a Variant of Uncertain Significance.

NM_000717.5(CA4):c.725T>C (p.Ile242Thr)

Gene: CA4 (carbonic anhydrase 4; plus strand). Cytogenetic location: 17q23.1.
Variant type: single nucleotide variant.
Coding change: c.725T>C on transcript NM_000717.5 (MANE Select); coding-DNA position 725, T replaced by C.
Protein change: p.Ile242Thr; replaces isoleucine 242 with threonine.
Molecular consequence: missense variant. On other transcripts: non-coding transcript variant (1).
Genome position (GRCh38, 1-based): chr17:60,158,427, T>C. VCF-style: chr17-60158427-T-C. GRCh37 (hg19) VCF-style: chr17-58235788-T-C.
Other names: short protein forms I242T.
Identifiers: ClinVar variation 1503479 (VCV001503479.6), dbSNP rs770093120, ClinGen allele CA8685492.